The following is an entry in ClinVar:

NM_001040142.2(SCN2A):c.3973G>A (p.Val1325Ile)

Gene: SCN2A (sodium voltage-gated channel alpha subunit 2; plus strand). Cytogenetic location: 2q24.3.
Variant type: single nucleotide variant.
Coding change: c.3973G>A on transcript NM_001040142.2 (MANE Select); coding-DNA position 3973, G replaced by A.
Protein change: p.Val1325Ile; replaces valine 1325 with isoleucine.
Molecular consequence: missense variant.
Genome position (GRCh38, 1-based): chr2:165,374,685, G>A. VCF-style: chr2-165374685-G-A. GRCh37 (hg19) VCF-style: chr2-166231195-G-A.
Other names: c.3973G>A, p.Val1325Ile (NM_001040143.2, NM_001371246.1, NM_001371247.1 and 1 more transcripts); short protein forms V1325I.
Identifiers: ClinVar variation 2169504 (VCV002169504.4), dbSNP rs2468101944, ClinGen allele CA349030164.

ClinVar aggregate classification (germline): Pathogenic (1 of 4 stars; one submission).

Conditions:
Developmental and epileptic encephalopathy, 11 (DEE11). Also called: Early infantile epileptic encephalopathy 11. Identifiers: Orphanet 1934, MedGen C3150987, MONDO:0013388, OMIM 613721.
Seizures, benign familial infantile, 3 (BFIS3). Also called: Familial neonatal seizures; CONVULSIONS, BENIGN FAMILIAL INFANTILE, 3. Identifiers: Orphanet 140927, Orphanet 306, MedGen C1843140, MONDO:0011904, OMIM 607745.

Submission:

Labcorp Genetics (formerly Invitae), Labcorp
Classification: Pathogenic for Seizures, benign familial infantile, 3; Developmental and epileptic encephalopathy, 11. Last evaluated: 2024-10-14. Review status: criteria provided, single submitter. Criteria: Invitae Variant Classification Sherloc (09022015). Collection method: clinical testing. Allele origin: germline.
Comment: This sequence change replaces valine, which is neutral and non-polar, with isoleucine, which is neutral and non-polar, at codon 1325 of the SCN2A protein (p.Val1325Ile). This variant is not present in population databases (gnomAD no frequency). This missense change has been observed in individual(s) with developmental and epileptic encephalopathy and/or episodic ataxia (PMID: 30928199, 35231114; internal data). In at least one individual the variant was observed to be de novo. ClinVar contains an entry for this variant (Variation ID: 2169504). An algorithm developed to predict the effect of missense changes on protein structure and function (PolyPhen-2) suggests that this variant is likely to be disruptive. This variant disrupts the p.Val1325Phe amino acid residue in SCN2A. Other variant(s) that disrupt this residue have been observed in individuals with SCN2A-related conditions (PMID: 30314295), which suggests that this may be a clinically significant amino acid residue. For these reasons, this variant has been classified as Pathogenic.

Literature cited by the submitters: PubMed 30928199; PubMed 35231114; PubMed 30314295.